The following is an entry in ClinVar:

ClinVar aggregate classification (germline): Uncertain significance (1 of 4 stars; one submission).

Submission:

GeneDx
Classification: Uncertain significance. Last evaluated: 2014-03-12. Review status: criteria provided, single submitter. Criteria: GeneDx Variant Classification (06012015). Collection method: clinical testing. Allele origin: germline. Affected: yes.
Comment: The S783Y missense variant has not been published as a mutation, nor has it been reported as a benign polymorphism to our knowledge. It was not observed in approximately 6,300 individuals of European and African American ancestry in the NHLBI Exome Sequencing Project, indicating it is not a common benign variant in these populations. The S783Y variant is a conservative amino acid substitution, which is not likely to impact secondary protein structure as these residues share similar properties; however, it occurs at a position that is conserved across species. In silico analysis is inconsistent in its predictions as to whether or not the variant is damaging to the protein structure/function. Therefore, based on the currently available information, it is unclear whether this variant is a pathogenic mutation or a rare benign variant. The variant is found in EPILEPSY panel(s).

NM_001330078.2(NRXN1):c.2228C>A (p.Ser743Tyr)

Gene: NRXN1 (neurexin 1; minus strand). Cytogenetic location: 2p16.3.
Variant type: single nucleotide variant.
Coding change: c.2228C>A on transcript NM_001330078.2 (MANE Select); coding-DNA position 2228, C replaced by A.
Protein change: p.Ser743Tyr; replaces serine 743 with tyrosine.
Molecular consequence: missense variant.
Genome position (GRCh38, 1-based): chr2:50,531,346, G>T on the plus strand (C>A on the coding strand, the complement: NRXN1 is on the minus strand). VCF-style: chr2-50531346-G-T. GRCh37 (hg19) VCF-style: chr2-50758484-G-T.
Other names: p.S783Y:TCC>TAC; c.2348C>A, p.Ser783Tyr (NM_001135659.3); c.2204C>A, p.Ser735Tyr (NM_001330077.2, NM_001330082.2, NM_001330095.2); c.2189C>A, p.Ser730Tyr (NM_001330083.2, NM_001330084.2); c.2228C>A, p.Ser743Tyr (NM_001330085.2, NM_001330086.2, NM_004801.6); c.2144C>A, p.Ser715Tyr (NM_001330087.2, NM_001330096.2); c.2174C>A, p.Ser725Tyr (NM_001330088.2); c.2225C>A, p.Ser742Tyr (NM_001330093.2); and 1 more; short protein forms S783Y, S743Y, S725Y, S735Y, S715Y, S730Y, S739Y, S742Y.
Identifiers: ClinVar variation 206233 (VCV000206233.2), dbSNP rs796052774, ClinGen allele CA316115.